The following is an entry in ClinVar:

ClinVar aggregate classification (germline): Uncertain significance. Review status: criteria provided, multiple submitters, no conflicts (2 of 4 stars). 3 submissions from 3 submitters: Uncertain significance (3). Last evaluated 2025-09-02.

Conditions:
Autosomal recessive spinocerebellar ataxia 13. Identifiers: Orphanet 324262, MedGen C3553816, MONDO:0013905, OMIM 614831.
Spinocerebellar ataxia 44. Identifiers: Orphanet 631095, MedGen C4521563, MONDO:0033479, OMIM 617691.

Allele frequency attached by ClinVar (database versions not stated): gnomAD 0.00009 and 0.00006; TOPMed 0.00005; 1000 Genomes Project 30x 0.00031; 1000 Genomes Project 0.00040; ExAC 0.00006.
gnomAD v4.1: 233 of 1,614,204 alleles (0.014%); highest among the groups gnomAD compares: Non-Finnish European, 0.019%; no homozygotes.

Submissions (3):

Labcorp Genetics (formerly Invitae), Labcorp
Classification: Uncertain significance. Last evaluated: 2025-09-02. Review status: criteria provided, single submitter. Criteria: Invitae Variant Classification Sherloc (09022015). Collection method: clinical testing. Allele origin: germline.
Comment: This sequence change replaces lysine, which is basic and polar, with threonine, which is neutral and polar, at codon 276 of the GRM1 protein (p.Lys276Thr). This variant is present in population databases (rs192397712, gnomAD 0.02%). This variant has not been reported in the literature in individuals affected with GRM1-related conditions. ClinVar contains an entry for this variant (Variation ID: 804887). An algorithm developed to predict the effect of missense changes on protein structure and function (PolyPhen-2) suggests that this variant is likely to be disruptive. In summary, the available evidence is currently insufficient to determine the role of this variant in disease. Therefore, it has been classified as a Variant of Uncertain Significance.

Laboratorio de Genetica e Diagnostico Molecular, Hospital Israelita Albert Einstein
Classification: Uncertain significance for Autosomal recessive spinocerebellar ataxia 13; Spinocerebellar ataxia 44. Last evaluated: 2021-05-27. Review status: criteria provided, single submitter. Criteria: ACMG Guidelines, 2015. Collection method: clinical testing. Allele origin: germline. Affected: yes.
Comment: ACMG classification criteria: PP3 supporting

Athena Diagnostics
Classification: Uncertain significance. Last evaluated: 2018-11-30. Review status: criteria provided, single submitter. Criteria: Athena Diagnostics Criteria. Collection method: clinical testing. Allele origin: germline.

NM_001278064.2(GRM1):c.827A>C (p.Lys276Thr)

Gene: GRM1 (glutamate metabotropic receptor 1; plus strand). Cytogenetic location: 6q24.3.
Variant type: single nucleotide variant.
Coding change: c.827A>C on transcript NM_001278064.2 (MANE Select); coding-DNA position 827, A replaced by C.
Protein change: p.Lys276Thr; replaces lysine 276 with threonine.
Molecular consequence: missense variant.
Genome position (GRCh38, 1-based): chr6:146,159,474, A>C. VCF-style: chr6-146159474-A-C. GRCh37 (hg19) VCF-style: chr6-146480610-A-C.
Other names: c.827A>C, p.Lys276Thr (NM_001278065.2, NM_001278066.1, NM_001278067.1); short protein forms K276T.
Identifiers: ClinVar variation 804887 (VCV000804887.6), dbSNP rs192397712, ClinGen allele CA4037120.